The following is an entry in ClinVar:

ClinVar aggregate classification (germline): Likely pathogenic (1 of 4 stars; one submission).

Submission:

Athena Diagnostics
Classification: Likely pathogenic. Last evaluated: 2025-08-04. Review status: criteria provided, single submitter. Criteria: Athena Diagnostics Criteria. Collection method: clinical testing. Allele origin: unknown.
Comment: This variant is expected to result in the loss of a functional protein. This variant has not been reported in large, multi-ethnic general populations.

NM_004006.3(DMD):c.1423_1425delinsTAA (p.Glu475Ter)

Gene: DMD (dystrophin; minus strand). Cytogenetic location: Xp21.1.
Variant type: Indel.
Coding change: c.1423_1425delinsTAA on transcript NM_004006.3 (MANE Select); coding-DNA positions 1423 to 1425, GAG replaced by TAA.
Protein change: p.Glu475Ter; replaces glutamic acid 475 with a stop codon.
Molecular consequence: nonsense.
Genome position (GRCh38, 1-based): chrX:32,614,360-32,614,362, CTC replaced by TTA on the plus strand (GAG replaced by TAA on the coding strand, the reverse complement: DMD is on the minus strand). VCF-style: chrX-32614360-CTC-TTA. GRCh37 (hg19) VCF-style: chrX-32632477-CTC-TTA.
Other names: c.1399_1401delinsTAA, p.Glu467Ter (NM_000109.4); c.1423_1425delGAGinsTAA, p.Glu475Ter (NM_004006.2); c.1411_1413delinsTAA, p.Glu471Ter (NM_004009.3); c.1054_1056delinsTAA, p.Glu352Ter (NM_004010.3); short protein forms E352*, E467*, E471*, E475*.
Identifiers: ClinVar variation 4682471 (VCV004682471.1).